The following is an entry in ClinVar:

ClinVar aggregate classification (germline): Conflicting classifications of pathogenicity. Review status: criteria provided, conflicting classifications (1 of 4 stars). 5 submissions from 5 submitters: Uncertain significance (4); Likely benign (1). Last evaluated 2026-01-12.

Conditions:
Cardiovascular phenotype. Identifiers: MedGen CN230736.

Allele frequency attached by ClinVar (database versions not stated): gnomAD 0.00004 and 0.00005; TOPMed 0.00007; gnomAD exomes 0.00010; ExAC 0.00011; 1000 Genomes Project 30x 0.00016.
gnomAD v4.1: 90 of 1,549,778 alleles (0.0058%); highest among the groups gnomAD compares: Middle Eastern, 0.083%; no homozygotes.

Submissions (5):

Women's Health and Genetics/Laboratory Corporation of America, LabCorp
Classification: Uncertain significance. Last evaluated: 2026-01-12. Review status: criteria provided, single submitter. Criteria: LabCorp Variant Classification Summary - May 2015. Collection method: clinical testing. Allele origin: germline.
Comment: Variant summary: ZNF469 c.8080C>T (p.Arg2694Cys) results in a non-conservative amino acid change in the encoded protein sequence. Algorithms developed to predict the effect of missense changes on protein structure and function are either unavailable or do not agree on the potential impact of this missense change. The variant allele was found at a frequency of 9.8e-05 in 152832 control chromosomes. This frequency is not significantly higher than estimated for disease-causing variants in ZNF469, allowing no conclusion about variant significance. To our knowledge, no occurrence of c.8080C>T in individuals affected with ZNF469-related conditions and no experimental evidence demonstrating its impact on protein function have been reported. ClinVar contains an entry for this variant (Variation ID: 320981). Based on the evidence outlined above, the variant was classified as uncertain significance.

Ambry Genetics
Classification: Likely benign for Cardiovascular phenotype. Last evaluated: 2024-11-29. Review status: criteria provided, single submitter. Criteria: Ambry Variant Classification Scheme 2023. Collection method: clinical testing. Allele origin: germline.

GeneDx
Classification: Uncertain significance. Last evaluated: 2024-08-27. Review status: criteria provided, single submitter. Criteria: GeneDx Variant Classification Process June 2021. Collection method: clinical testing. Allele origin: germline. Affected: yes.
Comment: Has not been previously published as pathogenic or benign to our knowledge; In silico analysis indicates that this missense variant does not alter protein structure/function

Labcorp Genetics (formerly Invitae), Labcorp
Classification: Uncertain significance. Last evaluated: 2022-06-10. Review status: criteria provided, single submitter. Criteria: Invitae Variant Classification Sherloc (09022015). Collection method: clinical testing. Allele origin: germline.
Comment: This sequence change replaces arginine, which is basic and polar, with cysteine, which is neutral and slightly polar, at codon 2666 of the ZNF469 protein (p.Arg2666Cys). This variant is present in population databases (rs540443650, gnomAD 0.02%). This variant has not been reported in the literature in individuals affected with ZNF469-related conditions. ClinVar contains an entry for this variant (Variation ID: 320981). Algorithms developed to predict the effect of missense changes on protein structure and function are either unavailable or do not agree on the potential impact of this missense change (SIFT: "Deleterious"; PolyPhen-2: "Benign"; Align-GVGD: "Class C0"). In summary, the available evidence is currently insufficient to determine the role of this variant in disease. Therefore, it has been classified as a Variant of Uncertain Significance.

CeGaT Center for Human Genetics Tuebingen
Classification: Uncertain significance. Last evaluated: 2021-01-01. Review status: criteria provided, single submitter. Criteria: CeGaT Center For Human Genetics Tuebingen Variant Classification Criteria Version 2. Collection method: clinical testing. Allele origin: germline. Affected: yes. Observed: 1 variant allele.

NM_001367624.2(ZNF469):c.8080C>T (p.Arg2694Cys)

Gene: ZNF469 (zinc finger protein 469; plus strand). Cytogenetic location: 16q24.2.
Variant type: single nucleotide variant.
Coding change: c.8080C>T on transcript NM_001367624.2 (MANE Select); coding-DNA position 8080, C replaced by T.
Protein change: p.Arg2694Cys; replaces arginine 2694 with cysteine.
Molecular consequence: missense variant.
Genome position (GRCh38, 1-based): chr16:88,435,550, C>T. VCF-style: chr16-88435550-C-T. GRCh37 (hg19) VCF-style: chr16-88501958-C-T.
Other names: short protein forms R2694C.
Identifiers: ClinVar variation 320981 (VCV000320981.51), dbSNP rs540443650, ClinGen allele CA8225307.